The following is an entry in ClinVar:

ClinVar aggregate classification (germline): Conflicting classifications of pathogenicity. Review status: criteria provided, conflicting classifications (1 of 4 stars). 5 submissions from 5 submitters: Uncertain significance (1); Benign (1); Likely benign (3). Last evaluated 2026-06-12.

Conditions:
PDGFRA-related disorder. Also called: PDGFRA-related condition.
Polyps, multiple and recurrent inflammatory fibroid, gastrointestinal. Identifiers: MedGen C5193005, MONDO:0008285, OMIM 175510.
Hereditary cancer-predisposing syndrome. Also called: Neoplastic Syndromes, Hereditary; Tumor predisposition; Hereditary Cancer Syndrome; Hereditary neoplastic syndrome. Identifiers: Orphanet 140162, MedGen C0027672, MeSH D009386, MONDO:0015356.
Gastrointestinal stromal tumor. Also called: Gastrointestinal stroma tumor; Gastrointestinal stromal tumor, somatic. Identifiers: Orphanet 44890, MedGen C0238198, MeSH D046152, MONDO:0011719, OMIM 606764, HP:0100723.

Allele frequency attached by ClinVar (database versions not stated): gnomAD exomes 0.00008 and 0.00020; gnomAD 0.00012; ExAC 0.00022; TOPMed 0.00036.

Submissions (5):

Myriad Genetics, Inc.
Classification: Likely benign for Polyps, multiple and recurrent inflammatory fibroid, gastrointestinal. Last evaluated: 2026-06-12. Review status: criteria provided, single submitter. Criteria: Myriad Autosomal Dominant, Autosomal Recessive and X-Linked Classification Criteria (2023). Collection method: clinical testing. Allele origin: unknown.
Comment: This variant is considered likely benign. This variant has been observed at a population frequency that is significantly greater than expected given the associated disease prevalence and penetrance.

Labcorp Genetics (formerly Invitae), Labcorp
Classification: Likely benign for Gastrointestinal stromal tumor. Last evaluated: 2026-01-28. Review status: criteria provided, single submitter. Criteria: Invitae Variant Classification Sherloc (09022015). Collection method: clinical testing. Allele origin: germline.

PreventionGenetics, part of Exact Sciences
Classification: Likely benign for PDGFRA-related condition. Last evaluated: 2025-09-08. Review status: criteria provided, single submitter. Criteria: ACMG Guidelines, 2015. Collection method: clinical testing. Allele origin: germline.
Comment: This variant is classified as likely benign based on ACMG/AMP sequence variant interpretation guidelines (Richards et al. 2015 PMID: 25741868, with internal and published modifications).

Ambry Genetics
Classification: Benign for Hereditary cancer-predisposing syndrome. Last evaluated: 2024-08-20. Review status: criteria provided, single submitter. Criteria: Ambry Variant Classification Scheme 2023. Collection method: clinical testing. Allele origin: germline.

GeneDx
Classification: Uncertain significance. Last evaluated: 2022-09-22. Review status: criteria provided, single submitter. Criteria: GeneDx Variant Classification Process June 2021. Collection method: clinical testing. Allele origin: germline. Affected: yes.
Comment: In silico analysis supports that this missense variant does not alter protein structure/function; Has not been previously published as pathogenic or benign to our knowledge

NM_006206.6(PDGFRA):c.466G>A (p.Glu156Lys)

Gene: PDGFRA (platelet derived growth factor receptor alpha; plus strand). Cytogenetic location: 4q12.
Variant type: single nucleotide variant.
Coding change: c.466G>A on transcript NM_006206.6 (MANE Select); coding-DNA position 466, G replaced by A.
Protein change: p.Glu156Lys; replaces glutamic acid 156 with lysine.
Molecular consequence: missense variant.
Genome position (GRCh38, 1-based): chr4:54,263,765, G>A. VCF-style: chr4-54263765-G-A. GRCh37 (hg19) VCF-style: chr4-55129932-G-A.
Other names: c.466G>A, p.Glu156Lys (NM_001347827.2, NM_001347829.2); c.541G>A, p.Glu181Lys (NM_001347828.2); c.505G>A, p.Glu169Lys (NM_001347830.2); c.466G>A (NM_006206.5); short protein forms E156K, E169K, E181K.
Identifiers: ClinVar variation 407397 (VCV000407397.22), dbSNP rs760631068, ClinGen allele CA2922299.